The following is an entry in ClinVar:

ClinVar aggregate classification (germline): Benign. Review status: criteria provided, multiple submitters, no conflicts (2 of 4 stars). 3 submissions from 3 submitters: Benign (2). 1 of the submissions does not count toward it. Last evaluated 2026-01-28.

Conditions:
DPF2-related disorder. Also called: DPF2-related condition.

Allele frequency attached by ClinVar (database versions not stated): gnomAD exomes 0.00323; ExAC 0.00366; ESP Exome Variant Server 0.00754; gnomAD 0.00800 and 0.00836; TOPMed 0.00910; 1000 Genomes Project 0.01138; 1000 Genomes Project 30x 0.01140.
gnomAD v4.1: 3,162 of 1,614,130 alleles (0.2%); highest among the groups gnomAD compares: African/African-American, 2.5%; 33 homozygotes.

Submissions (7):

Labcorp Genetics (formerly Invitae), Labcorp
Classification: Benign. Last evaluated: 2026-01-28. Review status: criteria provided, single submitter. Criteria: Invitae Variant Classification Sherloc (09022015). Collection method: clinical testing. Allele origin: germline.

Breakthrough Genomics
Classification: Benign. Review status: criteria provided, single submitter. Criteria: ACMG Guidelines, 2015. Collection method: not provided. Allele origin: germline. Inheritance: Autosomal dominant inheritance. Affected: yes.

PreventionGenetics, part of Exact Sciences
Classification: Likely benign for DPF2-related condition. Last evaluated: 2024-05-31. Review status: no assertion criteria provided. Collection method: clinical testing. Allele origin: germline. Not counted in ClinVar's aggregate classification.
Comment: This variant is classified as likely benign based on ACMG/AMP sequence variant interpretation guidelines (Richards et al. 2015 PMID: 25741868, with internal and published modifications).

Dr. Peter K. Rogan Lab, Western University
No classification provided (evidence only). Condition: Ovarian serous cystadenocarcinoma. Review status: no classification provided. Collection method: in vitro. Allele origin: not applicable. Functional consequence: retained intron. Not counted in ClinVar's aggregate classification.

Dr. Peter K. Rogan Lab, Western University
No classification provided (evidence only). Condition: Gastric cancer. Review status: no classification provided. Collection method: in vitro. Allele origin: not applicable. Functional consequence: retained intron. Not counted in ClinVar's aggregate classification.

Dr. Peter K. Rogan Lab, Western University
No classification provided (evidence only). Condition: Malignant tumor of esophagus. Review status: no classification provided. Collection method: in vitro. Allele origin: not applicable. Functional consequence: retained intron. Not counted in ClinVar's aggregate classification.

Dr. Peter K. Rogan Lab, Western University
No classification provided (evidence only). Condition: Malignant tumor of esophagus. Review status: no classification provided. Collection method: in vitro. Allele origin: not applicable. Functional consequence: retained intron. Not counted in ClinVar's aggregate classification.

NM_006268.5(DPF2):c.834G>T (p.Gly278=)

Gene: DPF2 (double PHD fingers 2; plus strand). Cytogenetic location: 11q13.1.
Variant type: single nucleotide variant.
Coding change: c.834G>T on transcript NM_006268.5 (MANE Select); coding-DNA position 834, G replaced by T.
Protein change: p.Gly278=; no amino-acid change (glycine 278 retained).
Molecular consequence: synonymous variant.
Genome position (GRCh38, 1-based): chr11:65,345,988, G>T. VCF-style: chr11-65345988-G-T. GRCh37 (hg19) VCF-style: chr11-65113459-G-T.
Other names: c.876G>T, p.Gly292= (NM_001330308.2); c.876G>T (NM_001330308.1).
Identifiers: ClinVar variation 1601730 (VCV001601730.11), dbSNP rs61736579, ClinGen allele CA6095383.